The following is an entry in ClinVar:

ClinVar aggregate classification (germline): Uncertain significance (1 of 4 stars; one submission).

Allele frequency attached by ClinVar (database versions not stated): gnomAD exomes 0.00004 and 0.00006; gnomAD 0.00006; ExAC 0.00007; 1000 Genomes Project 30x 0.00016; 1000 Genomes Project 0.00020.

Submission:

Labcorp Genetics (formerly Invitae), Labcorp
Classification: Uncertain significance. Last evaluated: 2022-05-21. Review status: criteria provided, single submitter. Criteria: Invitae Variant Classification Sherloc (09022015). Collection method: clinical testing. Allele origin: germline.
Comment: This sequence change replaces proline, which is neutral and non-polar, with arginine, which is basic and polar, at codon 561 of the ADAMTSL4 protein (p.Pro561Arg). This variant is present in population databases (rs587607349, gnomAD 0.06%). This variant has not been reported in the literature in individuals affected with ADAMTSL4-related conditions. Algorithms developed to predict the effect of missense changes on protein structure and function are either unavailable or do not agree on the potential impact of this missense change (SIFT: "Deleterious"; PolyPhen-2: "Probably Damaging"; Align-GVGD: "Class C15"). In summary, the available evidence is currently insufficient to determine the role of this variant in disease. Therefore, it has been classified as a Variant of Uncertain Significance.

NM_019032.6(ADAMTSL4):c.1682C>G (p.Pro561Arg)

Genes: ADAMTSL4 (ADAMTS like 4; plus strand), ADAMTSL4-AS2 (ADAMTSL4 antisense RNA 2; minus strand). Cytogenetic location: 1q21.2.
Variant type: single nucleotide variant.
Coding change: c.1682C>G on transcript NM_019032.6 (MANE Select); coding-DNA position 1682, C replaced by G.
Protein change: p.Pro561Arg; replaces proline 561 with arginine.
Molecular consequence: missense variant.
Genome position (GRCh38, 1-based): chr1:150,556,726, C>G. VCF-style: chr1-150556726-C-G. GRCh37 (hg19) VCF-style: chr1-150529202-C-G.
Other names: c.1751C>G, p.Pro584Arg (NM_001288607.2, NM_001288608.2); c.1682C>G, p.Pro561Arg (NM_001378596.1, NM_025008.5); short protein forms P561R, P584R.
Identifiers: ClinVar variation 1446429 (VCV001446429.3), dbSNP rs587607349, ClinGen allele CA1078364.